The following is an entry in ClinVar:

NM_170606.3(KMT2C):c.7468_7469delinsAA (p.Gly2490Asn)

Gene: KMT2C (lysine methyltransferase 2C; minus strand). Cytogenetic location: 7q36.1.
Variant type: Indel.
Coding change: c.7468_7469delinsAA on transcript NM_170606.3 (MANE Select); coding-DNA positions 7468 to 7469, GG replaced by AA.
Protein change: p.Gly2490Asn; replaces glycine 2490 with asparagine.
Molecular consequence: missense variant.
Genome position (GRCh38, 1-based): chr7:152,177,984-152,177,985, CC replaced by TT on the plus strand (GG replaced by AA on the coding strand, the reverse complement: KMT2C is on the minus strand). VCF-style: chr7-152177984-CC-TT. GRCh37 (hg19) VCF-style: chr7-151875069-CC-TT.
Other names: short protein forms G2490N.
Identifiers: ClinVar variation 1472514 (VCV001472514.6), dbSNP rs2129115755, ClinGen allele CA2573141883.

ClinVar aggregate classification (germline): Uncertain significance (1 of 4 stars; one submission).

Submission:

Labcorp Genetics (formerly Invitae), Labcorp
Classification: Uncertain significance. Last evaluated: 2021-05-10. Review status: criteria provided, single submitter. Criteria: Invitae Variant Classification Sherloc (09022015). Collection method: clinical testing. Allele origin: germline.
Comment: This sequence change replaces glycine with asparagine at codon 2490 of the KMT2C protein (p.Gly2490Asn). The glycine residue is weakly conserved and there is a moderate physicochemical difference between glycine and asparagine. The frequency data for this variant in the population databases is not available, as this variant may be reported as separate entries in the ExAC database. This variant has not been reported in the literature in individuals with KMT2C-related conditions. Algorithms developed to predict the effect of missense changes on protein structure and function are either unavailable or do not agree on the potential impact of this missense change (SIFT: "Not Available"; PolyPhen-2: "Probably Damaging"; Align-GVGD: "Not Available"). In summary, the available evidence is currently insufficient to determine the role of this variant in disease. Therefore, it has been classified as a Variant of Uncertain Significance.